The following is an entry in ClinVar:

ClinVar aggregate classification (germline): Conflicting classifications of pathogenicity. Review status: criteria provided, conflicting classifications (1 of 4 stars). 6 submissions from 6 submitters: Uncertain significance (5); Likely benign (1). Last evaluated 2026-09-23.

Conditions:
TTN-related disorder. Also called: TTN-related condition; TTN-related disease; TTN-related disorders.
Dilated cardiomyopathy 1G (CMD1G). Identifiers: Orphanet 154, MedGen C1858763, MONDO:0011400, OMIM 604145.
Autosomal recessive limb-girdle muscular dystrophy type 2J (LGMDR10). Also called: Limb-girdle muscular dystrophy, type 2J; MUSCULAR DYSTROPHY, LIMB-GIRDLE, AUTOSOMAL RECESSIVE 10. Identifiers: Orphanet 140922, MedGen C1837342, MONDO:0012127, OMIM 608807.

Allele frequency attached by ClinVar (database versions not stated): gnomAD 0.00002; gnomAD exomes 0.00002 and 0.00008; TOPMed 0.00005; ExAC 0.00009.
gnomAD v4.1: 28 of 1,613,428 alleles (0.0017%); highest among the groups gnomAD compares: Admixed American, 0.03%; no homozygotes.

Submissions (6):

PreventionGenetics, part of Exact Sciences
Classification: Uncertain significance for TTN-related condition. Last evaluated: 2026-09-23. Review status: criteria provided, single submitter. Criteria: ACMG Guidelines, 2015. Collection method: clinical testing. Allele origin: germline.
Comment: The TTN c.17596G>T variant is predicted to result in the amino acid substitution p.Gly5866Cys. To our knowledge, this variant has not been reported in the literature. This variant is reported in 0.046% of alleles in individuals of Latino descent in gnomAD. At this time, the clinical significance of this variant is uncertain due to the absence of conclusive functional and genetic evidence.

Revvity Omics, Revvity
Classification: Uncertain significance. Last evaluated: 2024-03-28. Review status: criteria provided, single submitter. Criteria: ACMG Guidelines, 2015. Collection method: clinical testing. Allele origin: germline.

Mayo Clinic Laboratories, Mayo Clinic
Classification: Uncertain significance. Last evaluated: 2022-07-06. Review status: criteria provided, single submitter. Criteria: ACMG Guidelines, 2015. Collection method: clinical testing. Allele origin: germline. Observed: 1 variant allele.
Comment: BS1

GeneDx
Classification: Likely benign. Last evaluated: 2019-01-10. Review status: criteria provided, single submitter. Criteria: GeneDx Variant Classification Process June 2021. Collection method: clinical testing. Allele origin: germline. Affected: yes.

Labcorp Genetics (formerly Invitae), Labcorp
Classification: Uncertain significance for Dilated cardiomyopathy 1G; Autosomal recessive limb-girdle muscular dystrophy type 2J. Last evaluated: 2017-08-21. Review status: criteria provided, single submitter. Criteria: Invitae Variant Classification Sherloc (09022015). Collection method: clinical testing. Allele origin: germline.

Eurofins Ntd Llc (ga)
Classification: Uncertain significance. Last evaluated: 2017-01-10. Review status: criteria provided, single submitter. Criteria: EGL Classification Definitions 2015. Collection method: clinical testing. Allele origin: germline. Observed: 1 variant allele, 1 heterozygote.

NM_001267550.2(TTN):c.17596G>T (p.Gly5866Cys)

Genes: TTN (titin; minus strand), LOC126806431 (CDK7 strongly-dependent group 2 enhancer GRCh37_chr2:179595719-179596918; plus strand). Cytogenetic location: 2q31.2.
Variant type: single nucleotide variant.
Coding change: c.17596G>T on transcript NM_001267550.2 (MANE Select); coding-DNA position 17596, G replaced by T.
Protein change: p.Gly5866Cys; replaces glycine 5866 with cysteine.
Molecular consequence: missense variant. On other transcripts: intron variant (3).
Genome position (GRCh38, 1-based): chr2:178,731,069, C>A on the plus strand (G>T on the coding strand, the complement: TTN is on the minus strand). VCF-style: chr2-178731069-C-A. GRCh37 (hg19) VCF-style: chr2-179595796-C-A.
Other names: p.Gly5549Cys; c.16645G>T, p.Gly5549Cys (NM_001256850.1); c.13864G>T, p.Gly4622Cys (NM_133378.4); c.13282+7013G>T (NM_003319.4); c.13858+7013G>T (NM_133437.4); c.13657+7013G>T (NM_133432.3); short protein forms G4622C, G5866C, G5549C.
Identifiers: ClinVar variation 499625 (VCV000499625.15), dbSNP rs753136638, ClinGen allele CA2001786.